The following is an entry in ClinVar:

NM_002354.3(EPCAM):c.548G>C (p.Ser183Thr)

Gene: EPCAM (epithelial cell adhesion molecule; plus strand). Cytogenetic location: 2p21.
Variant type: single nucleotide variant.
Coding change: c.548G>C on transcript NM_002354.3 (MANE Select); coding-DNA position 548, G replaced by C.
Protein change: p.Ser183Thr; replaces serine 183 with threonine.
Molecular consequence: missense variant.
Genome position (GRCh38, 1-based): chr2:47,377,070, G>C. VCF-style: chr2-47377070-G-C. GRCh37 (hg19) VCF-style: chr2-47604209-G-C.
Other names: short protein forms S183T.
Identifiers: ClinVar variation 3845302 (VCV003845302.1).
Genomic context (GRCh38, chr2:47,377,070, plus strand): 5'-ACAGTGCACTTCAGAAGGAGATCACAACGCGTTATCAACTGGATCCAAAATTTATCACGA[G>C]TATTTTGGTATGATTTTTTAATAAGTGAGCTTTAGCAGACAGTTGGTGAGACAGTATGTT-3'
Protein context (NP_002345.2, residues 173-193): RYQLDPKFIT[Ser183Thr]ILYENNVITI

ClinVar aggregate classification (germline): Uncertain significance (1 of 4 stars; one submission).

Conditions:
Hereditary cancer-predisposing syndrome. Also called: Hereditary neoplastic syndrome; Neoplastic Syndromes, Hereditary; Tumor predisposition; Hereditary Cancer Syndrome. Identifiers: Orphanet 140162, MedGen C0027672, MeSH D009386, MONDO:0015356.

Submission:

Ambry Genetics
Classification: Uncertain significance for Hereditary cancer-predisposing syndrome. Last evaluated: 2025-01-25. Review status: criteria provided, single submitter. Criteria: Ambry Variant Classification Scheme 2023. Collection method: clinical testing. Allele origin: germline.
Comment: The p.S183T variant (also known as c.548G>C), located in coding exon 5 of the EPCAM gene, results from a G to C substitution at nucleotide position 548. The serine at codon 183 is replaced by threonine, an amino acid with similar properties. This amino acid position is conserved. In addition, this alteration is predicted to be tolerated by in silico analysis. Based on the available evidence, the clinical significance of this variant remains unclear.